The following is an entry in ClinVar:

NM_003193.5(TBCE):c.83T>G (p.Val28Gly)

Gene: TBCE (tubulin folding cofactor E; plus strand). Cytogenetic location: 1q42.3.
Variant type: single nucleotide variant.
Coding change: c.83T>G on transcript NM_003193.5 (MANE Select); coding-DNA position 83, T replaced by G.
Protein change: p.Val28Gly; replaces valine 28 with glycine.
Molecular consequence: missense variant. On other transcripts: 5 prime UTR variant (1).
Genome position (GRCh38, 1-based): chr1:235,380,132, T>G. VCF-style: chr1-235380132-T-G. GRCh37 (hg19) VCF-style: chr1-235543447-T-G.
Other names: c.83T>G, p.Val28Gly (NM_001079515.3, NM_001287801.2); c.-228T>G (NM_001287802.2); short protein forms V28G.
Identifiers: ClinVar variation 1426571 (VCV001426571.8), dbSNP rs1293879711, ClinGen allele CA344979091.

ClinVar aggregate classification (germline): Uncertain significance (1 of 4 stars; one submission).

Allele frequency attached by ClinVar (database versions not stated): gnomAD 0.00001; gnomAD exomes 0.00001; TOPMed 0.00002.
gnomAD v4.1: 11 of 1,612,722 alleles (0.00068%); highest among the groups gnomAD compares: Middle Eastern, 0.016%; no homozygotes.

Submission:

Labcorp Genetics (formerly Invitae), Labcorp
Classification: Uncertain significance. Last evaluated: 2021-04-23. Review status: criteria provided, single submitter. Criteria: Invitae Variant Classification Sherloc (09022015). Collection method: clinical testing. Allele origin: germline.
Comment: This sequence change replaces valine with glycine at codon 28 of the TBCE protein (p.Val28Gly). The valine residue is weakly conserved and there is a moderate physicochemical difference between valine and glycine. This variant is not present in population databases (ExAC no frequency). In summary, the available evidence is currently insufficient to determine the role of this variant in disease. Therefore, it has been classified as a Variant of Uncertain Significance. Algorithms developed to predict the effect of missense changes on protein structure and function (SIFT, PolyPhen-2, Align-GVGD) all suggest that this variant is likely to be tolerated, but these predictions have not been confirmed by published functional studies and their clinical significance is uncertain. This variant has not been reported in the literature in individuals with TBCE-related conditions.